The following is an entry in ClinVar:

ClinVar aggregate classification (germline): Uncertain significance (1 of 4 stars; one submission).

Conditions:
Joubert syndrome. Also called: JOUBERT-BOLTSHAUSER SYNDROME; Familial aplasia of the vermis. Identifiers: Orphanet 475, MedGen C5979921, MONDO:0018772.
Meckel-Gruber syndrome. Also called: DYSENCEPHALIA SPLANCHNOCYSTICA; GRUBER SYNDROME; Dysencephalia splachnocystica. Identifiers: Orphanet 564, MedGen C0265215, MONDO:0018921.

Submission:

Labcorp Genetics (formerly Invitae), Labcorp
Classification: Uncertain significance for Joubert syndrome; Meckel-Gruber syndrome. Last evaluated: 2024-02-05. Review status: criteria provided, single submitter. Criteria: Invitae Variant Classification Sherloc (09022015). Collection method: clinical testing. Allele origin: germline.
Comment: This sequence change replaces proline, which is neutral and non-polar, with serine, which is neutral and polar, at codon 1412 of the CC2D2A protein (p.Pro1412Ser). This variant is not present in population databases (gnomAD no frequency). This variant has not been reported in the literature in individuals affected with CC2D2A-related conditions. ClinVar contains an entry for this variant (Variation ID: 2109863). Advanced modeling of protein sequence and biophysical properties (such as structural, functional, and spatial information, amino acid conservation, physicochemical variation, residue mobility, and thermodynamic stability) performed at Invitae indicates that this missense variant is expected to disrupt CC2D2A protein function with a positive predictive value of 95%. In summary, the available evidence is currently insufficient to determine the role of this variant in disease. Therefore, it has been classified as a Variant of Uncertain Significance.

NM_001378615.1(CC2D2A):c.4234C>T (p.Pro1412Ser)

Genes: CC2D2A (coiled-coil and C2 domain containing 2A; plus strand), FBXL5 (F-box and leucine rich repeat protein 5; minus strand). Cytogenetic location: 4p15.32.
Variant type: single nucleotide variant.
Coding change: c.4234C>T on transcript NM_001378615.1 (MANE Select); coding-DNA position 4234, C replaced by T.
Protein change: p.Pro1412Ser; replaces proline 1412 with serine.
Molecular consequence: missense variant.
Genome position (GRCh38, 1-based): chr4:15,589,599, C>T. VCF-style: chr4-15589599-C-T. GRCh37 (hg19) VCF-style: chr4-15591222-C-T.
Other names: c.4234C>T, p.Pro1412Ser (NM_001080522.2); c.4087C>T, p.Pro1363Ser (NM_001378617.1); short protein forms P1412S, P1363S.
Identifiers: ClinVar variation 2109863 (VCV002109863.4), dbSNP rs2475127895, ClinGen allele CA356429693.